The following is an entry in ClinVar:

ClinVar aggregate classification (germline): Uncertain significance. Review status: criteria provided, multiple submitters, no conflicts (2 of 4 stars). 2 submissions from 2 submitters: Uncertain significance (2). Last evaluated 2024-08-03.

Conditions:
Duchenne muscular dystrophy (DMD). Also called: MUSCULAR DYSTROPHY, PSEUDOHYPERTROPHIC PROGRESSIVE, DUCHENNE TYPE; Duchenne Muscular Dystrophy (DMD). Identifiers: Orphanet 98896, MedGen C0013264, MONDO:0010679, OMIM 310200.

Submissions (2):

Women's Health and Genetics/Laboratory Corporation of America, LabCorp
Classification: Uncertain significance. Last evaluated: 2024-08-03. Review status: criteria provided, single submitter. Criteria: LabCorp Variant Classification Summary - May 2015. Collection method: clinical testing. Allele origin: germline.

Labcorp Genetics (formerly Invitae), Labcorp
Classification: Uncertain significance for Duchenne muscular dystrophy. Last evaluated: 2021-09-14. Review status: criteria provided, single submitter. Criteria: Invitae Variant Classification Sherloc (09022015). Collection method: clinical testing. Allele origin: germline.
Comment: This sequence change falls in intron 60 of the DMD gene. It does not directly change the encoded amino acid sequence of the DMD protein. It affects a nucleotide within the consensus splice site of the intron. This variant is not present in population databases (ExAC no frequency). This variant has not been reported in the literature in individuals affected with DMD-related conditions. Variants that disrupt the consensus splice site are a relatively common cause of aberrant splicing (PMID: 17576681, 9536098). Algorithms developed to predict the effect of sequence changes on RNA splicing suggest that this variant is not likely to affect RNA splicing. In summary, the available evidence is currently insufficient to determine the role of this variant in disease. Therefore, it has been classified as a Variant of Uncertain Significance.

Literature cited by the submitters: PubMed 17576681 (cited by Labcorp Genetics (formerly Invitae), Labcorp); PubMed 9536098 (cited by Labcorp Genetics (formerly Invitae), Labcorp).

NM_004006.3(DMD):c.9084+6C>A

Gene: DMD (dystrophin; minus strand). Cytogenetic location: Xp21.2.
Variant type: single nucleotide variant.
Coding change: c.9084+6C>A on transcript NM_004006.3 (MANE Select); 6 bases into the intron after coding-DNA position 9084, C replaced by A.
Molecular consequence: intron variant.
Genome position (GRCh38, 1-based): chrX:31,444,475, G>T on the plus strand (C>A on the coding strand, the complement: DMD is on the minus strand). VCF-style: chrX-31444475-G-T. GRCh37 (hg19) VCF-style: chrX-31462592-G-T.
Other names: c.9060+6C>A (NM_000109.4); c.5061+6C>A (NM_004011.4); c.5052+6C>A (NM_004012.4); c.1704+6C>A (NM_004023.3, NM_004020.4, NM_004022.3 and 2 more transcripts); c.897+6C>A (NM_004014.3); c.9072+6C>A (NM_004009.3); c.8715+6C>A (NM_004010.3).
Identifiers: ClinVar variation 1516233 (VCV001516233.4), dbSNP rs1839521112, ClinGen allele CA2422434026.
Genomic context (GRCh38, chrX:31,444,475, plus strand): 5'-TTTACAAATTTTATCTGTATATTATTTTACTGTAACAAAGGACAACAATGTTTACAATGT[G>T]CTTACCTGCAGAAGCTTCCATCTGGTGTTCAGGTCTTCCAGAGTGCTGAGGTTATACGGT-3'